The following is an entry in ClinVar:

ClinVar aggregate classification (germline): Uncertain significance. Review status: criteria provided, multiple submitters, no conflicts (2 of 4 stars). 2 submissions from 2 submitters: Uncertain significance (2). Last evaluated 2022-05-30.

Conditions:
Inborn genetic diseases. Identifiers: MedGen C0950123, MeSH D030342.
Familial episodic pain syndrome with predominantly lower limb involvement. Also called: Episodic pain syndrome, familial, 3. Identifiers: Orphanet 391384, Orphanet 391392, MedGen C3809899, MONDO:0014247, OMIM 615552.
Hereditary sensory and autonomic neuropathy type 7. Also called: Neuropathy, hereditary sensory and autonomic, type VII; HSAN VII. Identifiers: Orphanet 391397, MedGen C3809882, MONDO:0014244, OMIM 615548.

Allele frequency attached by ClinVar (database versions not stated): gnomAD exomes below 0.00001; ExAC 0.00002; gnomAD 0.00003; ESP Exome Variant Server 0.00008.
gnomAD v4.1: 3 of 1,613,918 alleles (0.00019%); highest among the groups gnomAD compares: Non-Finnish European, 0.000085%; no homozygotes.

Submissions (2):

Labcorp Genetics (formerly Invitae), Labcorp
Classification: Uncertain significance for Familial episodic pain syndrome with predominantly lower limb involvement; Hereditary sensory and autonomic neuropathy type 7. Last evaluated: 2022-05-30. Review status: criteria provided, single submitter. Criteria: Invitae Variant Classification Sherloc (09022015). Collection method: clinical testing. Allele origin: germline.
Comment: This sequence change replaces alanine, which is neutral and non-polar, with valine, which is neutral and non-polar, at codon 296 of the SCN11A protein (p.Ala296Val). This variant is present in population databases (rs146560458, gnomAD 0.008%). This variant has not been reported in the literature in individuals affected with SCN11A-related conditions. ClinVar contains an entry for this variant (Variation ID: 567219). Algorithms developed to predict the effect of missense changes on protein structure and function (SIFT, PolyPhen-2, Align-GVGD) all suggest that this variant is likely to be tolerated. In summary, the available evidence is currently insufficient to determine the role of this variant in disease. Therefore, it has been classified as a Variant of Uncertain Significance.

Ambry Genetics
Classification: Uncertain significance for Inborn genetic diseases. Last evaluated: 2020-09-14. Review status: criteria provided, single submitter. Criteria: Ambry Variant Classification Scheme 2023. Collection method: clinical testing. Allele origin: germline.
Comment: The p.A296V variant (also known as c.887C>T), located in coding exon 6 of the SCN11A gene, results from a C to T substitution at nucleotide position 887. The alanine at codon 296 is replaced by valine, an amino acid with similar properties. This amino acid position is poorly conserved in available vertebrate species. In addition, this alteration is predicted to be tolerated by in silico analysis. Since supporting evidence is limited at this time, the clinical significance of this alteration remains unclear.

NM_001349253.2(SCN11A):c.887C>T (p.Ala296Val)

Gene: SCN11A (sodium voltage-gated channel alpha subunit 11; minus strand). Cytogenetic location: 3p22.2.
Variant type: single nucleotide variant.
Coding change: c.887C>T on transcript NM_001349253.2 (MANE Select); coding-DNA position 887, C replaced by T.
Protein change: p.Ala296Val; replaces alanine 296 with valine.
Molecular consequence: missense variant.
Genome position (GRCh38, 1-based): chr3:38,921,081, G>A on the plus strand (C>T on the coding strand, the complement: SCN11A is on the minus strand). VCF-style: chr3-38921081-G-A. GRCh37 (hg19) VCF-style: chr3-38962572-G-A.
Other names: c.887C>T, p.Ala296Val (NM_014139.3); short protein forms A296V.
Identifiers: ClinVar variation 567219 (VCV000567219.9), dbSNP rs146560458, ClinGen allele CA2322487.